The following is an entry in ClinVar:

NM_003849.4(SUCLG1):c.284A>G (p.His95Arg)

Gene: SUCLG1 (succinate-CoA ligase GDP/ADP-forming subunit alpha; minus strand). Cytogenetic location: 2p11.2.
Variant type: single nucleotide variant.
Coding change: c.284A>G on transcript NM_003849.4 (MANE Select); coding-DNA position 284, A replaced by G.
Protein change: p.His95Arg; replaces histidine 95 with arginine.
Molecular consequence: missense variant.
Genome position (GRCh38, 1-based): chr2:84,443,318, T>C on the plus strand (A>G on the coding strand, the complement: SUCLG1 is on the minus strand). VCF-style: chr2-84443318-T-C. GRCh37 (hg19) VCF-style: chr2-84670442-T-C.
Other names: short protein forms H95R.
Identifiers: ClinVar variation 2063162 (VCV002063162.4), dbSNP rs540232445, ClinGen allele CA1736362.

ClinVar aggregate classification (germline): Uncertain significance (1 of 4 stars; one submission).

Conditions:
Mitochondrial DNA depletion syndrome 9 (MTDPS9). Also called: SUCLG1-Related Mitochondrial DNA Depletion Syndrome, Encephalomyopathic Form with Methylmalonic Aciduria. Identifiers: Orphanet 17, MedGen C3151476, MONDO:0009504, OMIM 245400.

Allele frequency attached by ClinVar (database versions not stated): ExAC 0.00001; 1000 Genomes Project 30x 0.00016; 1000 Genomes Project 0.00020.
gnomAD v4.1: 2 of 1,614,120 alleles (0.00012%); highest among the groups gnomAD compares: African/African-American, 0.0013%; no homozygotes.

Submission:

Labcorp Genetics (formerly Invitae), Labcorp
Classification: Uncertain significance for Mitochondrial DNA depletion syndrome 9. Last evaluated: 2024-05-15. Review status: criteria provided, single submitter. Criteria: Invitae Variant Classification Sherloc (09022015). Collection method: clinical testing. Allele origin: germline.
Comment: This sequence change replaces histidine, which is basic and polar, with arginine, which is basic and polar, at codon 95 of the SUCLG1 protein (p.His95Arg). This variant is present in population databases (rs540232445, gnomAD 0.007%). This variant has not been reported in the literature in individuals affected with SUCLG1-related conditions. ClinVar contains an entry for this variant (Variation ID: 2063162). Advanced modeling of protein sequence and biophysical properties (such as structural, functional, and spatial information, amino acid conservation, physicochemical variation, residue mobility, and thermodynamic stability) has been performed at Invitae for this missense variant, however the output from this modeling did not meet the statistical confidence thresholds required to predict the impact of this variant on SUCLG1 protein function. In summary, the available evidence is currently insufficient to determine the role of this variant in disease. Therefore, it has been classified as a Variant of Uncertain Significance.